The following is an entry in ClinVar:

ClinVar aggregate classification (germline): Benign/Likely benign. Review status: criteria provided, multiple submitters, no conflicts (2 of 4 stars). 6 submissions from 6 submitters: Benign (1); Likely benign (5). Last evaluated 2025-12-23.

Conditions:
Juvenile polyposis syndrome (JPS). Identifiers: Orphanet 2929, MedGen C0345893, MONDO:0017380, OMIM 174900.
Hereditary cancer-predisposing syndrome. Also called: Hereditary neoplastic syndrome; Tumor predisposition; Neoplastic Syndromes, Hereditary; Hereditary Cancer Syndrome. Identifiers: Orphanet 140162, MedGen C0027672, MeSH D009386, MONDO:0015356.

Allele frequency attached by ClinVar (database versions not stated): ExAC 0.00001; gnomAD 0.00001 and 0.00002; gnomAD exomes 0.00001; TOPMed 0.00002; 1000 Genomes Project 30x 0.00016; 1000 Genomes Project 0.00020.
gnomAD v4.1: 13 of 1,614,132 alleles (0.00081%); highest among the groups gnomAD compares: Middle Eastern, 0.016%; no homozygotes.

Submissions (6):

Labcorp Genetics (formerly Invitae), Labcorp
Classification: Likely benign for Juvenile polyposis syndrome. Last evaluated: 2025-12-23. Review status: criteria provided, single submitter. Criteria: Invitae Variant Classification Sherloc (09022015). Collection method: clinical testing. Allele origin: germline.

Myriad Genetics, Inc.
Classification: Benign for Juvenile polyposis syndrome. Last evaluated: 2024-08-07. Review status: criteria provided, single submitter. Criteria: Myriad Autosomal Dominant, Autosomal Recessive and X-Linked Classification Criteria (2023). Collection method: clinical testing. Allele origin: unknown.
Comment: This variant is considered benign. This variant is a silent/synonymous amino acid change and it is not expected to impact splicing.

All of Us Research Program, National Institutes of Health
Classification: Likely benign for Juvenile polyposis syndrome. Last evaluated: 2023-11-20. Review status: criteria provided, single submitter. Criteria: ACMG Guidelines, 2015. Collection method: clinical testing. Allele origin: germline. Inheritance: Autosomal dominant inheritance. Observed: 1 variant allele, 1 heterozygote.
Comment: This study involves interpretation of variants in research participants for the purpose of population health screening. Participant phenotype was not available at the time of variant classification. Additional details can be found in publication PMID: 35346344, PMCID: PMC8962531

Ambry Genetics
Classification: Likely benign for Hereditary cancer-predisposing syndrome. Last evaluated: 2017-03-14. Review status: criteria provided, single submitter. Criteria: Ambry Variant Classification Scheme 2023. Collection method: clinical testing. Allele origin: germline.

Color Diagnostics, LLC DBA Color Health
Classification: Likely benign for Hereditary cancer-predisposing syndrome. Last evaluated: 2016-11-15. Review status: criteria provided, single submitter. Criteria: ACMG Guidelines, 2015. Collection method: clinical testing. Allele origin: germline.

GeneDx
Classification: Likely benign. Last evaluated: 2016-09-06. Review status: criteria provided, single submitter. Criteria: GeneDx Variant Classification (06012015). Collection method: clinical testing. Allele origin: germline. Affected: yes.
Comment: This variant is considered likely benign or benign based on one or more of the following criteria: it is a conservative change, it occurs at a poorly conserved position in the protein, it is predicted to be benign by multiple in silico algorithms, and/or has population frequency not consistent with disease.

NM_004329.3(BMPR1A):c.1230C>T (p.Pro410=)

Gene: BMPR1A (bone morphogenetic protein receptor type 1A; plus strand). Cytogenetic location: 10q23.2.
Variant type: single nucleotide variant.
Coding change: c.1230C>T on transcript NM_004329.3 (MANE Select); coding-DNA position 1230, C replaced by T.
Protein change: p.Pro410=; no amino-acid change (proline 410 retained).
Molecular consequence: synonymous variant.
Genome position (GRCh38, 1-based): chr10:86,921,583, C>T. VCF-style: chr10-86921583-C-T. GRCh37 (hg19) VCF-style: chr10-88681340-C-T.
Identifiers: ClinVar variation 377566 (VCV000377566.20), dbSNP rs200642188, ClinGen allele CA5585675.